The following is an entry in ClinVar:

NM_002202.3(ISL1):c.408G>T (p.Val136=)

Gene: ISL1 (ISL LIM homeobox 1; plus strand). Cytogenetic location: 5q11.1.
Variant type: single nucleotide variant.
Coding change: c.408G>T on transcript NM_002202.3 (MANE Select); coding-DNA position 408, G replaced by T.
Protein change: p.Val136=; no amino-acid change (valine 136 retained).
Molecular consequence: synonymous variant.
Genome position (GRCh38, 1-based): chr5:51,387,679, G>T. VCF-style: chr5-51387679-G-T. GRCh37 (hg19) VCF-style: chr5-50683513-G-T.
Identifiers: ClinVar variation 3030264 (VCV003030264.2), dbSNP rs754133508, ClinGen allele CA3260967.

ClinVar aggregate classification (germline): Likely benign (0 of 4 stars; one submission).

Conditions:
ISL1-related disorder. Also called: ISL1-related condition.

Allele frequency attached by ClinVar (database versions not stated): gnomAD exomes 0.00001; ExAC 0.00002.
gnomAD v4.1: 18 of 1,614,232 alleles (0.0011%); highest among the groups gnomAD compares: Admixed American, 0.02%; no homozygotes.

Submission:

PreventionGenetics, part of Exact Sciences
Classification: Likely benign for ISL1-related condition. Last evaluated: 2024-01-30. Review status: no assertion criteria provided. Collection method: clinical testing. Allele origin: germline.
Comment: This variant is classified as likely benign based on ACMG/AMP sequence variant interpretation guidelines (Richards et al. 2015 PMID: 25741868, with internal and published modifications).